The following is an entry in ClinVar:

ClinVar aggregate classification (germline): Pathogenic (1 of 4 stars; one submission).

Submission:

GeneDx
Classification: Pathogenic. Last evaluated: 2026-03-08. Review status: criteria provided, single submitter. Criteria: GeneDx Variant Classification Process June 2021. Collection method: clinical testing. Allele origin: germline.
Comment: Canonical splice site variant predicted to result in a null allele in a gene for which loss of function is a known mechanism of disease; Not observed at significant frequency in large population cohorts (gnomAD); Has not been previously published as pathogenic or benign to our knowledge

NM_004239.4(TRIP11):c.5260+2T>C

Gene: TRIP11 (thyroid hormone receptor interactor 11; minus strand). Cytogenetic location: 14q32.12.
Variant type: single nucleotide variant.
Coding change: c.5260+2T>C on transcript NM_004239.4 (MANE Select); the canonical splice donor site of the intron after coding-DNA position 5260, T replaced by C.
Molecular consequence: splice donor variant.
Genome position (GRCh38, 1-based): chr14:91,988,282, A>G on the plus strand (T>C on the coding strand, the complement: TRIP11 is on the minus strand). VCF-style: chr14-91988282-A-G. GRCh37 (hg19) VCF-style: chr14-92454626-A-G.
Other names: c.5257+2T>C (NM_001321851.1).
Identifiers: ClinVar variation 5008283 (VCV005008283.1).
Genomic context (GRCh38, chr14:91,988,282, plus strand): 5'-AGACTACATTTGATTTAATATCAGTATTGTAGTGGGGGAAAAATGAAAAGAAAAAAACCT[A>G]CTTTGTCTTTTAAGTTCTTCAATTTGTTCTTCTTTTACATCTAACTGTTCTGTAAGTCTT-3'